The following is an entry in ClinVar:

NM_006739.4(MCM5):c.845G>A (p.Arg282His)

Gene: MCM5 (minichromosome maintenance complex component 5; plus strand). Cytogenetic location: 22q12.3.
Variant type: single nucleotide variant.
Coding change: c.845G>A on transcript NM_006739.4 (MANE Select); coding-DNA position 845, G replaced by A.
Protein change: p.Arg282His; replaces arginine 282 with histidine.
Molecular consequence: missense variant.
Genome position (GRCh38, 1-based): chr22:35,410,836, G>A. VCF-style: chr22-35410836-G-A. GRCh37 (hg19) VCF-style: chr22-35806829-G-A.
Other names: short protein forms R282H.
Identifiers: ClinVar variation 3124366 (VCV003124366.2), dbSNP rs764208540, ClinGen allele CA10205182.

ClinVar aggregate classification (germline): Uncertain significance. Review status: criteria provided, multiple submitters, no conflicts (2 of 4 stars). 2 submissions from 2 submitters: Uncertain significance (2). Last evaluated 2025-04-07.

Allele frequency attached by ClinVar (database versions not stated): ExAC 0.00002; gnomAD 0.00002; TOPMed 0.00002.
gnomAD v4.1: 59 of 1,613,722 alleles (0.0037%); highest among the groups gnomAD compares: Middle Eastern, 0.15%; no homozygotes.

Submissions (2):

Labcorp Genetics (formerly Invitae), Labcorp
Classification: Uncertain significance. Last evaluated: 2025-04-07. Review status: criteria provided, single submitter. Criteria: Invitae Variant Classification Sherloc (09022015). Collection method: clinical testing. Allele origin: germline.
Comment: This sequence change replaces arginine, which is basic and polar, with histidine, which is basic and polar, at codon 282 of the MCM5 protein (p.Arg282His). This variant is present in population databases (rs764208540, gnomAD 0.009%). This variant has not been reported in the literature in individuals affected with MCM5-related conditions. ClinVar contains an entry for this variant (Variation ID: 3124366). Invitae Evidence Modeling of protein sequence and biophysical properties (such as structural, functional, and spatial information, amino acid conservation, physicochemical variation, residue mobility, and thermodynamic stability) indicates that this missense variant is not expected to disrupt MCM5 protein function with a negative predictive value of 80%. In summary, the available evidence is currently insufficient to determine the role of this variant in disease. Therefore, it has been classified as a Variant of Uncertain Significance.

Ambry Genetics
Classification: Uncertain significance. Last evaluated: 2024-02-27. Review status: criteria provided, single submitter. Criteria: Ambry Variant Classification Scheme 2023. Collection method: clinical testing. Allele origin: germline.